The following is an entry in ClinVar:

NM_003573.2(LTBP4):c.315G>A (p.Gln105=)

Gene: LTBP4 (latent transforming growth factor beta binding protein 4; plus strand). Cytogenetic location: 19q13.2.
Variant type: single nucleotide variant.
Coding change: c.315G>A on transcript NM_003573.2; coding-DNA position 315, G replaced by A.
Protein change: p.Gln105=; no amino-acid change (glutamine 105 retained).
Molecular consequence: synonymous variant.
Genome position (GRCh38, 1-based): chr19:40,600,152, G>A. VCF-style: chr19-40600152-G-A. GRCh37 (hg19) VCF-style: chr19-41106058-G-A.
Other names: c.426G>A, p.Gln142= (NM_001042544.1).
Identifiers: ClinVar variation 682319 (VCV000682319.12), dbSNP rs747877844, ClinGen allele CA9447976.

ClinVar aggregate classification (germline): Likely benign. Review status: criteria provided, multiple submitters, no conflicts (2 of 4 stars). 3 submissions from 3 submitters: Likely benign (2). 1 of the submissions does not count toward it. Last evaluated 2026-01-20.

Conditions:
LTBP4-related disorder. Also called: LTBP4-related condition.

Allele frequency attached by ClinVar (database versions not stated): gnomAD exomes 0.00013; gnomAD 0.00001; TOPMed 0.00003; ExAC 0.00016.
gnomAD v4.1: 54 of 1,255,662 alleles (0.0043%); highest among the groups gnomAD compares: Middle Eastern, 0.045%; 1 homozygote.

Submissions (3):

Labcorp Genetics (formerly Invitae), Labcorp
Classification: Likely benign. Last evaluated: 2026-01-20. Review status: criteria provided, single submitter. Criteria: Invitae Variant Classification Sherloc (09022015). Collection method: clinical testing. Allele origin: germline.

GeneDx
Classification: Likely benign. Last evaluated: 2019-05-23. Review status: criteria provided, single submitter. Criteria: GeneDx Variant Classification Process June 2021. Collection method: clinical testing. Allele origin: germline. Affected: yes.

PreventionGenetics, part of Exact Sciences
Classification: Likely benign for LTBP4-related condition. Last evaluated: 2023-05-05. Review status: no assertion criteria provided. Collection method: clinical testing. Allele origin: germline. Not counted in ClinVar's aggregate classification.
Comment: This variant is classified as likely benign based on ACMG/AMP sequence variant interpretation guidelines (Richards et al. 2015 PMID: 25741868, with internal and published modifications).